The following is an entry in ClinVar:

ClinVar aggregate classification (germline): Pathogenic (1 of 4 stars; one submission).

Conditions:
Fumarase deficiency (FMRD). Also called: Fumaric aciduria; Fumarate Hydratase Deficiency. Identifiers: Orphanet 24, MedGen C0342770, MONDO:0011730, OMIM 606812.

Submission:

Labcorp Genetics (formerly Invitae), Labcorp
Classification: Pathogenic for Fumarase deficiency. Last evaluated: 2018-11-17. Review status: criteria provided, single submitter. Criteria: Invitae Variant Classification Sherloc (09022015). Collection method: clinical testing. Allele origin: germline.
Comment: This variant is a gross deletion of the genomic region encompassing exons 7-10 of the FH gene. The 5' boundary is likely confined to intron 6. The 3' end of this event is unknown as it extends through the termination codon beyond the assayed region for this gene and may encompass additional genes. While this deletion is not anticipated to result in nonsense mediated decay, it is expected to create a truncated FH protein. An exon 7-10 deletion has been reported in an individual affected with hereditary leiomyomatosis and renal cell carcinoma (PMID: 28196407). Although no functional studies have assayed the effect of this particular deletion on FH protein function or stability, several truncating variants in the last exon (p.Gly490Alafs*12, p.Leu492Hisfs*6, p.Glu495Valfs*2, and p.Trp500*) have been determined to be likely pathogenic (PMID: 12772087, 21404119, 16597677, 9635293, 21398687, Invitae database).Â¬â€ This suggests that the C-terminal region of the FH protein is critical for the proper protein function. Loss-of-function variants in FH are known to be pathogenic (PMID: 11865300, 21398687). For these reasons, this variant has been classified as Pathogenic.

Literature cited by the submitters: PubMed 28196407; PubMed 9635293; PubMed 21404119; PubMed 21398687; PubMed 12772087; PubMed 16597677.

NC_000001.11:g.(?_241497818)_(241504255_?)del

Gene: FH (fumarate hydratase; minus strand). Cytogenetic location: 1q43.
Variant type: Deletion.
Identifiers: ClinVar variation 647960 (VCV000647960.1).